The following is an entry in ClinVar:

ClinVar aggregate classification (germline): Uncertain significance (1 of 4 stars; one submission).

Submission:

Labcorp Genetics (formerly Invitae), Labcorp
Classification: Uncertain significance. Last evaluated: 2022-01-10. Review status: criteria provided, single submitter. Criteria: Invitae Variant Classification Sherloc (09022015). Collection method: clinical testing. Allele origin: germline.
Comment: This variant is not present in population databases (gnomAD no frequency). This variant has not been reported in the literature in individuals affected with CANT1-related conditions. Algorithms developed to predict the effect of missense changes on protein structure and function output the following: SIFT: "Tolerated"; PolyPhen-2: "Benign"; Align-GVGD: "Class C0". The isoleucine amino acid residue is found in multiple mammalian species, which suggests that this missense change does not adversely affect protein function. In summary, the available evidence is currently insufficient to determine the role of this variant in disease. Therefore, it has been classified as a Variant of Uncertain Significance. This sequence change replaces valine, which is neutral and non-polar, with isoleucine, which is neutral and non-polar, at codon 109 of the CANT1 protein (p.Val109Ile).

NM_001159773.2(CANT1):c.325G>A (p.Val109Ile)

Gene: CANT1 (calcium activated nucleotidase 1; minus strand). Cytogenetic location: 17q25.3.
Variant type: single nucleotide variant.
Coding change: c.325G>A on transcript NM_001159773.2 (MANE Select); coding-DNA position 325, G replaced by A.
Protein change: p.Val109Ile; replaces valine 109 with isoleucine.
Molecular consequence: missense variant.
Genome position (GRCh38, 1-based): chr17:78,997,298, C>T on the plus strand (G>A on the coding strand, the complement: CANT1 is on the minus strand). VCF-style: chr17-78997298-C-T. GRCh37 (hg19) VCF-style: chr17-76993380-C-T.
Other names: c.325G>A, p.Val109Ile (NM_001159772.2, NM_138793.4); short protein forms V109I.
Identifiers: ClinVar variation 1922204 (VCV001922204.5), dbSNP rs2509812806, ClinGen allele CA401308821.